The following is an entry in ClinVar:

ClinVar aggregate classification (germline): Conflicting classifications of pathogenicity. Review status: criteria provided, conflicting classifications (1 of 4 stars). 6 submissions from 6 submitters: Uncertain significance (2); Benign (1); Likely benign (3). Last evaluated 2025-05-20.

Conditions:
Peutz-Jeghers syndrome (PJS). Also called: Peutz-Jeghers polyposis; Periorificial lentiginosis syndrome; POLYPOSIS, HAMARTOMATOUS INTESTINAL; POLYPS-AND-SPOTS SYNDROME. Identifiers: Orphanet 2869, MedGen C0031269, MeSH D010580, MONDO:0008280, OMIM 175200.
Hereditary cancer-predisposing syndrome. Also called: Neoplastic Syndromes, Hereditary; Hereditary neoplastic syndrome; Tumor predisposition; Hereditary Cancer Syndrome. Identifiers: Orphanet 140162, MedGen C0027672, MeSH D009386, MONDO:0015356.

Allele frequency attached by ClinVar (database versions not stated): gnomAD exomes 0.00001.
gnomAD v4.1: 7 of 1,612,564 alleles (0.00043%); highest among the groups gnomAD compares: Non-Finnish European, 0.00059%; no homozygotes.

Submissions (6):

Labcorp Genetics (formerly Invitae), Labcorp
Classification: Likely benign for Peutz-Jeghers syndrome. Last evaluated: 2025-05-20. Review status: criteria provided, single submitter. Criteria: Invitae Variant Classification Sherloc (09022015). Collection method: clinical testing. Allele origin: germline.

Myriad Genetics, Inc.
Classification: Benign for Peutz-Jeghers syndrome. Last evaluated: 2025-03-24. Review status: criteria provided, single submitter. Criteria: Myriad Autosomal Dominant, Autosomal Recessive and X-Linked Classification Criteria (2023). Collection method: clinical testing. Allele origin: unknown.
Comment: This variant is considered benign. This variant is a silent/synonymous amino acid change and it is not expected to impact splicing.

All of Us Research Program, National Institutes of Health
Classification: Likely benign for Peutz-Jeghers syndrome. Last evaluated: 2023-11-30. Review status: criteria provided, single submitter. Criteria: ACMG Guidelines, 2015. Collection method: clinical testing. Allele origin: germline. Inheritance: Autosomal dominant inheritance. Observed: 2 variant alleles, 2 heterozygotes.
Comment: This study involves interpretation of variants in research participants for the purpose of population health screening. Participant phenotype was not available at the time of variant classification. Additional details can be found in publication PMID: 35346344, PMCID: PMC8962531

Genome-Nilou Lab
Classification: Uncertain significance for Peutz-Jeghers syndrome. Last evaluated: 2021-07-15. Review status: criteria provided, single submitter. Criteria: ACMG Guidelines, 2015. Collection method: clinical testing. Allele origin: germline. Affected: no.

Ambry Genetics
Classification: Likely benign for Hereditary cancer-predisposing syndrome. Last evaluated: 2018-09-25. Review status: criteria provided, single submitter. Criteria: Ambry Variant Classification Scheme 2023. Collection method: clinical testing. Allele origin: germline.

Illumina Laboratory Services, Illumina
Classification: Uncertain significance for Peutz-Jeghers syndrome. Last evaluated: 2017-04-27. Review status: criteria provided, single submitter. Criteria: ICSL Variant Classification Criteria 13 December 2019. Collection method: clinical testing. Allele origin: germline.

NM_000455.5(STK11):c.69C>T (p.Asp23=)

Gene: STK11 (serine/threonine kinase 11; plus strand). Cytogenetic location: 19p13.3.
Variant type: single nucleotide variant.
Coding change: c.69C>T on transcript NM_000455.5 (MANE Select); coding-DNA position 69, C replaced by T.
Protein change: p.Asp23=; no amino-acid change (aspartic acid 23 retained).
Molecular consequence: synonymous variant.
Genome position (GRCh38, 1-based): chr19:1,206,982, C>T. VCF-style: chr19-1206982-C-T. GRCh37 (hg19) VCF-style: chr19-1206981-C-T.
Identifiers: ClinVar variation 766544 (VCV000766544.23), dbSNP rs1599914867, ClinGen allele CA504706093.
Genomic context (GRCh38, chr19:1,206,982, plus strand): 5'-GGTGGACCCGCAGCAGCTGGGCATGTTCACGGAGGGCGAGCTGATGTCGGTGGGTATGGA[C>T]ACGTTCATCCACCGCATCGACTCCACCGAGGTCATCTACCAGCCGCGCCGCAAGCGGGCC-3'
Protein context (NP_000446.1, residues 13-33): TEGELMSVGM[Asp23=]TFIHRIDSTE